The following is an entry in ClinVar:

NM_001035.3(RYR2):c.10405G>C (p.Ala3469Pro)

Gene: RYR2 (ryanodine receptor 2; plus strand). Cytogenetic location: 1q43.
Variant type: single nucleotide variant.
Coding change: c.10405G>C on transcript NM_001035.3 (MANE Select); coding-DNA position 10405, G replaced by C.
Protein change: p.Ala3469Pro; replaces alanine 3469 with proline.
Molecular consequence: missense variant.
Genome position (GRCh38, 1-based): chr1:237,717,279, G>C. VCF-style: chr1-237717279-G-C. GRCh37 (hg19) VCF-style: chr1-237880579-G-C.
Other names: short protein forms A3469P.
Identifiers: ClinVar variation 1357299 (VCV001357299.9), dbSNP rs759811978, ClinGen allele CA345414484.

ClinVar aggregate classification (germline): Uncertain significance (1 of 4 stars; one submission).

Conditions:
Catecholaminergic polymorphic ventricular tachycardia 1. Also called: RYR2-Related Catecholaminergic Polymorphic Ventricular Tachycardia; VENTRICULAR TACHYCARDIA, CATECHOLAMINERGIC POLYMORPHIC, 1, WITH OR WITHOUT ATRIAL DYSFUNCTION AND/OR DILATED CARDIOMYOPATHY; VENTRICULAR TACHYCARDIA, STRESS-INDUCED POLYMORPHIC 1. Identifiers: Orphanet 3286, MedGen C1631597, MONDO:0011484, OMIM 604772.

Allele frequency attached by ClinVar (database versions not stated): gnomAD exomes below 0.00001.
gnomAD v4.1: 1 of 1,613,642 alleles (0.000062%); highest among the groups gnomAD compares: East Asian, 0.0022%; no homozygotes.

Submission:

Labcorp Genetics (formerly Invitae), Labcorp
Classification: Uncertain significance for Catecholaminergic polymorphic ventricular tachycardia 1. Last evaluated: 2022-06-13. Review status: criteria provided, single submitter. Criteria: Invitae Variant Classification Sherloc (09022015). Collection method: clinical testing. Allele origin: germline.
Comment: This variant has not been reported in the literature in individuals affected with RYR2-related conditions. This variant is not present in population databases (gnomAD no frequency). This sequence change replaces alanine, which is neutral and non-polar, with proline, which is neutral and non-polar, at codon 3469 of the RYR2 protein (p.Ala3469Pro). Advanced modeling of protein sequence and biophysical properties (such as structural, functional, and spatial information, amino acid conservation, physicochemical variation, residue mobility, and thermodynamic stability) performed at Invitae indicates that this missense variant is expected to disrupt RYR2 protein function. In summary, the available evidence is currently insufficient to determine the role of this variant in disease. Therefore, it has been classified as a Variant of Uncertain Significance.